The following is an entry in ClinVar:

ClinVar aggregate classification (germline): Uncertain significance. Review status: criteria provided, multiple submitters, no conflicts (2 of 4 stars). 2 submissions from 2 submitters: Uncertain significance (2). Last evaluated 2025-02-13.

Conditions:
Hereditary cancer-predisposing syndrome. Also called: Hereditary neoplastic syndrome; Neoplastic Syndromes, Hereditary; Tumor predisposition; Hereditary Cancer Syndrome. Identifiers: Orphanet 140162, MedGen C0027672, MeSH D009386, MONDO:0015356.
Hereditary breast ovarian cancer syndrome. Also called: Hereditary breast and/or ovarian cancer syndrome; Hereditary breast and ovarian cancer syndrome; Hereditary breast and ovarian cancer; Hereditary breast and ovarian cancer syndrome (HBOC); Breast and ovarian cancer; BRCA1- and BRCA2-Associated Hereditary Breast and Ovarian Cancer. Identifiers: Orphanet 145, MedGen C0677776, MeSH D061325, MONDO:0003582. Disease mechanism: loss of function.

Submissions (2):

Ambry Genetics
Classification: Uncertain significance for Hereditary cancer-predisposing syndrome. Last evaluated: 2025-02-13. Review status: criteria provided, single submitter. Criteria: Ambry Variant Classification Scheme 2023. Collection method: clinical testing. Allele origin: germline.
Comment: The c.548-17G>A intronic variant results from a G to A substitution 17 nucleotides upstream from coding exon 7 in the BRCA1 gene. This nucleotide position is highly conserved in available vertebrate species. In silico splice site analysis predicts that this alteration will weaken the native splice acceptor site and will result in the creation or strengthening of a novel splice acceptor site; however, direct evidence is insufficient at this time (Ambry internal data). Based on the available evidence, the clinical significance of this variant remains unclear.

Labcorp Genetics (formerly Invitae), Labcorp
Classification: Uncertain significance for Hereditary breast ovarian cancer syndrome. Last evaluated: 2022-02-05. Review status: criteria provided, single submitter. Criteria: Invitae Variant Classification Sherloc (09022015). Collection method: clinical testing. Allele origin: germline.
Comment: In summary, the available evidence is currently insufficient to determine the role of this variant in disease. Therefore, it has been classified as a Variant of Uncertain Significance. Algorithms developed to predict the effect of sequence changes on RNA splicing suggest that this variant may create or strengthen a splice site. This variant has not been reported in the literature in individuals affected with BRCA1-related conditions. This variant is not present in population databases (gnomAD no frequency). This sequence change falls in intron 7 of the BRCA1 gene. It does not directly change the encoded amino acid sequence of the BRCA1 protein.

NM_007294.4(BRCA1):c.548-17G>A

Gene: BRCA1 (BRCA1 DNA repair associated; minus strand). Cytogenetic location: 17q21.31.
Variant type: single nucleotide variant.
Coding change: c.548-17G>A on transcript NM_007294.4 (MANE Select); 17 bases into the intron before coding-DNA position 548, G replaced by A.
Molecular consequence: intron variant.
Genome position (GRCh38, 1-based): chr17:43,097,306, C>T on the plus strand (G>A on the coding strand, the complement: BRCA1 is on the minus strand). VCF-style: chr17-43097306-C-T. GRCh37 (hg19) VCF-style: chr17-41249323-C-T.
Other names: c.407-17G>A (NM_001408458.1, NM_001408469.1, NM_001408453.1 and 43 more transcripts); c.-218-2446G>A (NM_001407967.1, NM_001407966.1); c.167-17G>A (NM_001407959.1, NM_001408510.1, NM_001407963.1 and 1 more transcripts); c.404-2446G>A (NM_001407931.1, NM_001407932.1, NM_001408503.1 and 5 more transcripts); c.404-17G>A (NM_001407747.1, NM_001408470.1, NM_001407848.1 and 26 more transcripts); c.164-17G>A (NM_001407962.1); c.167-2446G>A (NM_001408512.1, NM_001407965.1); c.338-17G>A (NM_001407885.1, NM_001407886.1, NM_001407881.1 and 27 more transcripts); and 17 more.
Identifiers: ClinVar variation 2093499 (VCV002093499.3), dbSNP rs80358014, ClinGen allele CA2580094137.